The following is an entry in ClinVar:

ClinVar aggregate classification (germline): Uncertain significance. Review status: criteria provided, multiple submitters, no conflicts (2 of 4 stars). 2 submissions from 2 submitters: Uncertain significance (2). Last evaluated 2025-09-03.

Conditions:
COL18A1-related disorder. Also called: COL18A1-related condition; COL18A1-related disorders.

Allele frequency attached by ClinVar (database versions not stated): gnomAD exomes 0.00001; TOPMed 0.00001; gnomAD 0.00002 and 0.00003; 1000 Genomes Project 30x 0.00062.
gnomAD v4.1: 18 of 1,609,148 alleles (0.0011%); highest among the groups gnomAD compares: Admixed American, 0.03%; no homozygotes.

Submissions (2):

PreventionGenetics, part of Exact Sciences
Classification: Uncertain significance for COL18A1-related condition. Last evaluated: 2025-09-03. Review status: criteria provided, single submitter. Criteria: ACMG Guidelines, 2015. Collection method: clinical testing. Allele origin: germline.
Comment: The COL18A1 c.3041G>T variant is predicted to result in the amino acid substitution p.Gly1014Val. To our knowledge, this variant has not been reported in the literature in individuals with COL18A1-related disease. This variant is reported in 0.0059% of alleles in individuals of Latino descent in gnomAD. At this time, the clinical significance of this variant is uncertain due to the absence of conclusive functional and genetic evidence.

Labcorp Genetics (formerly Invitae), Labcorp
Classification: Uncertain significance. Last evaluated: 2022-10-17. Review status: criteria provided, single submitter. Criteria: Invitae Variant Classification Sherloc (09022015). Collection method: clinical testing. Allele origin: germline.
Comment: This sequence change replaces glycine, which is neutral and non-polar, with valine, which is neutral and non-polar, at codon 834 of the COL18A1 protein (p.Gly834Val). The frequency data for this variant in the population databases is considered unreliable, as metrics indicate poor data quality at this position in the gnomAD database. This variant has not been reported in the literature in individuals affected with COL18A1-related conditions. ClinVar contains an entry for this variant (Variation ID: 1351150). Experimental studies and prediction algorithms are not available or were not evaluated, and the functional significance of this variant is currently unknown. In summary, the available evidence is currently insufficient to determine the role of this variant in disease. Therefore, it has been classified as a Variant of Uncertain Significance.

NM_001379500.1(COL18A1):c.2501G>T (p.Gly834Val)

Gene: COL18A1 (collagen type XVIII alpha 1 chain; plus strand). Cytogenetic location: 21q22.3.
Variant type: single nucleotide variant.
Coding change: c.2501G>T on transcript NM_001379500.1 (MANE Select); coding-DNA position 2501, G replaced by T.
Protein change: p.Gly834Val; replaces glycine 834 with valine.
Molecular consequence: missense variant.
Genome position (GRCh38, 1-based): chr21:45,495,425, G>T. VCF-style: chr21-45495425-G-T. GRCh37 (hg19) VCF-style: chr21-46915339-G-T.
Other names: c.3041G>T, p.Gly1014Val (NM_030582.4); c.3746G>T, p.Gly1249Val (NM_130444.3); c.3041G>T (NM_030582.3); short protein forms G834V, G1014V, G1249V.
Identifiers: ClinVar variation 1351150 (VCV001351150.5), dbSNP rs1458664567, ClinGen allele CA410497869.